The following is an entry in ClinVar:

ClinVar aggregate classification (germline): Pathogenic (1 of 4 stars; one submission).

Submission:

GeneDx
Classification: Pathogenic. Last evaluated: 2025-03-20. Review status: criteria provided, single submitter. Criteria: GeneDx Variant Classification Process June 2021. Collection method: clinical testing. Allele origin: germline. Affected: yes.
Comment: Nonsense variant predicted to result in protein truncation or nonsense mediated decay in a gene for which loss of function is a known mechanism of disease; Not observed at significant frequency in large population cohorts (gnomAD); Has not been previously published as pathogenic or benign to our knowledge

NM_130837.3(OPA1):c.2515G>T (p.Glu839Ter)

Gene: OPA1 (OPA1 mitochondrial dynamin like GTPase; plus strand). Cytogenetic location: 3q29.
Variant type: single nucleotide variant.
Coding change: c.2515G>T on transcript NM_130837.3 (MANE Select); coding-DNA position 2515, G replaced by T.
Protein change: p.Glu839Ter; replaces glutamic acid 839 with a stop codon.
Molecular consequence: nonsense.
Genome position (GRCh38, 1-based): chr3:193,659,556, G>T. VCF-style: chr3-193659556-G-T. GRCh37 (hg19) VCF-style: chr3-193377345-G-T.
Other names: c.1981G>T, p.Glu661Ter (NM_001354663.2); c.1978G>T, p.Glu660Ter (NM_001354664.2); c.2350G>T, p.Glu784Ter (NM_015560.3); c.2242G>T, p.Glu748Ter (NM_130831.3); c.2296G>T, p.Glu766Ter (NM_130832.3); c.2353G>T, p.Glu785Ter (NM_130833.3); c.2404G>T, p.Glu802Ter (NM_130834.3); c.2407G>T, p.Glu803Ter (NM_130835.3); and 1 more; short protein forms E660*, E661*, E748*, E766*, E784*, E785*, E802*, E803*.
Identifiers: ClinVar variation 4086459 (VCV004086459.1).